The following is an entry in ClinVar:

NM_005918.4(MDH2):c.138C>G (p.Asn46Lys)

Gene: MDH2 (malate dehydrogenase 2; plus strand). Cytogenetic location: 7q11.23.
Variant type: single nucleotide variant.
Coding change: c.138C>G on transcript NM_005918.4 (MANE Select); coding-DNA position 138, C replaced by G.
Protein change: p.Asn46Lys; replaces asparagine 46 with lysine.
Molecular consequence: missense variant. On other transcripts: intron variant (1).
Genome position (GRCh38, 1-based): chr7:76,054,901, C>G. VCF-style: chr7-76054901-C-G. GRCh37 (hg19) VCF-style: chr7-75684219-C-G.
Other names: c.138C>G, p.Asn46Lys (NM_001282403.2); c.-86-2509C>G (NM_001282404.2); short protein forms N46K.
Identifiers: ClinVar variation 1394597 (VCV001394597.4), dbSNP rs115117282, ClinGen allele CA4305428.

ClinVar aggregate classification (germline): Uncertain significance (1 of 4 stars; one submission).

Allele frequency attached by ClinVar (database versions not stated): 1000 Genomes Project 30x 0.00031.
gnomAD v4.1: 42 of 1,614,158 alleles (0.0026%); highest among the groups gnomAD compares: African/African-American, 0.017%; no homozygotes.

Submission:

Labcorp Genetics (formerly Invitae), Labcorp
Classification: Uncertain significance. Last evaluated: 2026-02-03. Review status: criteria provided, single submitter. Criteria: Invitae Variant Classification Sherloc (09022015). Collection method: clinical testing. Allele origin: germline.
Comment: This sequence change replaces asparagine, which is neutral and polar, with lysine, which is basic and polar, at codon 46 of the MDH2 protein (p.Asn46Lys). This variant is present in population databases (rs115117282, gnomAD 0.03%). This variant has not been reported in the literature in individuals affected with MDH2-related conditions. ClinVar contains an entry for this variant (Variation ID: 1394597). Invitae Evidence Modeling of protein sequence and biophysical properties (such as structural, functional, and spatial information, amino acid conservation, physicochemical variation, residue mobility, and thermodynamic stability) indicates that this missense variant is not expected to disrupt MDH2 protein function with a negative predictive value of 80%. In summary, the available evidence is currently insufficient to determine the role of this variant in disease. Therefore, it has been classified as a Variant of Uncertain Significance.